The following is an entry in ClinVar:

ClinVar aggregate classification (germline): Conflicting classifications of pathogenicity. Review status: criteria provided, conflicting classifications (1 of 4 stars). 2 submissions from 2 submitters: Likely pathogenic (1); Uncertain significance (1). Last evaluated 2025-10-12.

Conditions:
Maturity-onset diabetes of the young (MODY). Also called: Maturity onset diabetes mellitus in young. Identifiers: Orphanet 552, MedGen C0342276, MONDO:0018911, HP:0004904.

Submissions (2):

Labcorp Genetics (formerly Invitae), Labcorp
Classification: Uncertain significance. Last evaluated: 2025-10-12. Review status: criteria provided, single submitter. Criteria: Invitae Variant Classification Sherloc (09022015). Collection method: clinical testing. Allele origin: germline.
Comment: This sequence change creates a premature translational stop signal (p.Leu73Serfs*50) in the PDX1 gene. While this is not anticipated to result in nonsense mediated decay, it is expected to disrupt the last 211 amino acid(s) of the PDX1 protein. This variant is not present in population databases (gnomAD no frequency). This premature translational stop signal has been observed in individual(s) with clinical features of maturity onset diabetes of the young (internal data). ClinVar contains an entry for this variant (Variation ID: 1787241). Experimental studies and prediction algorithms are not available or were not evaluated, and the functional significance of this variant is currently unknown. In summary, the available evidence is currently insufficient to determine the role of this variant in disease. Therefore, it has been classified as a Variant of Uncertain Significance.

Ambry Genetics
Classification: Likely pathogenic for Maturity-onset diabetes of the young. Last evaluated: 2018-06-22. Review status: criteria provided, single submitter. Criteria: Ambry Variant Classification Scheme 2023. Collection method: clinical testing. Allele origin: germline.
Comment: The c.217delC variant, located in coding exon 1 of the PDX1 gene, results from a deletion of one nucleotide at nucleotide position 217, causing a translational frameshift with a predicted alternate stop codon (p.L73Sfs*50). This alteration is expected to result in loss of function by premature protein truncation or nonsense-mediated mRNA decay. As such, this variant is likely to be pathogenic.

NM_000209.4(PDX1):c.217del (p.Leu73fs)

Gene: PDX1 (pancreatic and duodenal homeobox 1; plus strand). Cytogenetic location: 13q12.2.
Variant type: Deletion.
Coding change: c.217del on transcript NM_000209.4 (MANE Select); coding-DNA position 217, one base deleted (C; older notation c.217delC).
Protein change: p.Leu73fs; shifts the reading frame from leucine 73.
Molecular consequence: frameshift variant.
Genome position (GRCh38, 1-based): chr13:27,920,355, C deleted; the last of 7 consecutive C bases (chr13:27,920,349-27,920,355); deleting any one gives the same sequence. VCF-style (leftmost placement, unchanged base first): chr13-27920348-GC-G. GRCh37 (hg19) VCF-style: chr13-28494485-GC-G.
Other names: short protein forms L73fs.
Identifiers: ClinVar variation 1787241 (VCV001787241.7), dbSNP rs1445970498, ClinGen allele CA387644445.